The following is an entry in ClinVar:

NM_000186.4(CFH):c.1997A>T (p.Lys666Met)

Gene: CFH (complement factor H; plus strand). Cytogenetic location: 1q31.3.
Variant type: single nucleotide variant.
Coding change: c.1997A>T on transcript NM_000186.4 (MANE Select); coding-DNA position 1997, A replaced by T.
Protein change: p.Lys666Met; replaces lysine 666 with methionine.
Molecular consequence: missense variant.
Genome position (GRCh38, 1-based): chr1:196,726,593, A>T. VCF-style: chr1-196726593-A-T. GRCh37 (hg19) VCF-style: chr1-196695723-A-T.
Other names: short protein forms K666M.
Identifiers: ClinVar variation 3645004 (VCV003645004.2).

ClinVar aggregate classification (germline): Uncertain significance (1 of 4 stars; one submission).

Submission:

Labcorp Genetics (formerly Invitae), Labcorp
Classification: Uncertain significance. Last evaluated: 2024-03-07. Review status: criteria provided, single submitter. Criteria: Invitae Variant Classification Sherloc (09022015). Collection method: clinical testing. Allele origin: germline.
Comment: This sequence change replaces lysine, which is basic and polar, with methionine, which is neutral and non-polar, at codon 666 of the CFH protein (p.Lys666Met). This variant is not present in population databases (gnomAD no frequency). This variant has not been reported in the literature in individuals affected with CFH-related conditions. An algorithm developed to predict the effect of missense changes on protein structure and function (PolyPhen-2) suggests that this variant is likely to be disruptive. In summary, the available evidence is currently insufficient to determine the role of this variant in disease. Therefore, it has been classified as a Variant of Uncertain Significance.